The following is an entry in ClinVar:

NM_001999.4(FBN2):c.7277C>A (p.Pro2426Gln)

Gene: FBN2 (fibrillin 2; minus strand). Cytogenetic location: 5q23.3.
Variant type: single nucleotide variant.
Coding change: c.7277C>A on transcript NM_001999.4 (MANE Select); coding-DNA position 7277, C replaced by A.
Protein change: p.Pro2426Gln; replaces proline 2426 with glutamine.
Molecular consequence: missense variant.
Genome position (GRCh38, 1-based): chr5:128,278,703, G>T on the plus strand (C>A on the coding strand, the complement: FBN2 is on the minus strand). VCF-style: chr5-128278703-G-T. GRCh37 (hg19) VCF-style: chr5-127614395-G-T.
Other names: short protein forms P2426Q.
Identifiers: ClinVar variation 4540231 (VCV004540231.1).

ClinVar aggregate classification (germline): Uncertain significance (1 of 4 stars; one submission).

Submission:

GeneDx
Classification: Uncertain significance. Last evaluated: 2025-06-23. Review status: criteria provided, single submitter. Criteria: GeneDx Variant Classification Process June 2021. Collection method: clinical testing. Allele origin: germline. Affected: yes.
Comment: Not observed at significant frequency in large population cohorts (gnomAD); In silico analysis supports that this missense variant has a deleterious effect on protein structure/function; Has not been previously published as pathogenic or benign to our knowledge